The following is an entry in ClinVar:

ClinVar aggregate classification (germline): Uncertain significance (1 of 4 stars; one submission).

Conditions:
SDCCAG8-related disorder. Also called: SDCCAG8-related condition; SDCCAG8-Related Disorders.

Submission:

PreventionGenetics, part of Exact Sciences
Classification: Uncertain significance for SDCCAG8-related condition. Last evaluated: 2026-08-26. Review status: criteria provided, single submitter. Criteria: ACMG Guidelines, 2015. Collection method: clinical testing. Allele origin: germline.
Comment: The SDCCAG8 c.739A>G variant is predicted to result in the amino acid substitution p.Arg247Gly. To our knowledge, this variant has not been reported in the literature or in a large population database (gnomAD), indicating this variant is rare. At this time, the clinical significance of this variant is uncertain due to the absence of conclusive functional and genetic evidence.

NM_006642.5(SDCCAG8):c.739A>G (p.Arg247Gly)

Gene: SDCCAG8 (SHH signaling and ciliogenesis regulator SDCCAG8; plus strand). Cytogenetic location: 1q43.
Variant type: single nucleotide variant.
Coding change: c.739A>G on transcript NM_006642.5 (MANE Select); coding-DNA position 739, A replaced by G.
Protein change: p.Arg247Gly; replaces arginine 247 with glycine.
Molecular consequence: missense variant. On other transcripts: 5 prime UTR variant (3).
Genome position (GRCh38, 1-based): chr1:243,304,776, A>G. VCF-style: chr1-243304776-A-G. GRCh37 (hg19) VCF-style: chr1-243468078-A-G.
Other names: c.-374A>G (NM_001350246.2); c.-262A>G (NM_001350247.2); c.835A>G, p.Arg279Gly (NM_001350248.2); c.445A>G, p.Arg149Gly (NM_001350249.2); c.-539A>G (NM_001350251.2); short protein forms R149G, R247G, R279G.
Identifiers: ClinVar variation 4995726 (VCV004995726.1).